The following is an entry in ClinVar:

ClinVar aggregate classification (germline): Uncertain significance. Review status: criteria provided, multiple submitters, no conflicts (2 of 4 stars). 2 submissions from 2 submitters: Uncertain significance (2). Last evaluated 2025-06-17.

Submissions (2):

Labcorp Genetics (formerly Invitae), Labcorp
Classification: Uncertain significance. Last evaluated: 2025-06-17. Review status: criteria provided, single submitter. Criteria: Invitae Variant Classification Sherloc (09022015). Collection method: clinical testing. Allele origin: germline.
Comment: This sequence change falls in intron 7 of the SRP72 gene. It does not directly change the encoded amino acid sequence of the SRP72 protein. This variant is not present in population databases (gnomAD no frequency). This variant has not been reported in the literature in individuals affected with SRP72-related conditions. ClinVar contains an entry for this variant (Variation ID: 3365349). Algorithms developed to predict the effect of sequence changes on RNA splicing suggest that this variant may disrupt the consensus splice site. In summary, the available evidence is currently insufficient to determine the role of this variant in disease. Therefore, it has been classified as a Variant of Uncertain Significance.

GeneDx
Classification: Uncertain significance. Last evaluated: 2023-12-07. Review status: criteria provided, single submitter. Criteria: GeneDx Variant Classification Process June 2021. Collection method: clinical testing. Allele origin: germline. Affected: yes.
Comment: Not observed at significant frequency in large population cohorts (gnomAD); Has not been previously published as pathogenic or benign to our knowledge; In silico analysis is inconclusive as to whether the variant alters gene splicing. In the absence of RNA/functional studies, the actual effect of this sequence change is unknown.

NM_006947.4(SRP72):c.768-9T>G

Gene: SRP72 (signal recognition particle 72; plus strand). Cytogenetic location: 4q12.
Variant type: single nucleotide variant.
Coding change: c.768-9T>G on transcript NM_006947.4 (MANE Select); 9 bases into the intron before coding-DNA position 768, T replaced by G.
Molecular consequence: intron variant.
Genome position (GRCh38, 1-based): chr4:56,478,583, T>G. VCF-style: chr4-56478583-T-G. GRCh37 (hg19) VCF-style: chr4-57344749-T-G.
Other names: c.642+1881T>G (NM_001267722.2).
Identifiers: ClinVar variation 3365349 (VCV003365349.2).